The following is an entry in ClinVar:

NM_000474.4(TWIST1):c.241_264dup (p.Gly88_Gly89insCysGlyGlyGlyGlyGlyAlaGly)

Gene: TWIST1 (twist family bHLH transcription factor 1; minus strand). Cytogenetic location: 7p21.1.
Variant type: Duplication.
Coding change: c.241_264dup on transcript NM_000474.4 (MANE Select); coding-DNA positions 241 to 264, 24 bases duplicated (TGTGGCGGCGGCGGCGGCGCGGGC).
Protein change: p.Gly88_Gly89insCysGlyGlyGlyGlyGlyAlaGly.
Molecular consequence: inframe insertion. On other transcripts: non-coding transcript variant (1).
Genome position (GRCh38, 1-based): chr7:19,117,058-19,117,081, GCCCGCGCCGCCGCCGCCGCCACA duplicated on the plus strand (TGTGGCGGCGGCGGCGGCGCGGGC on the coding strand, the reverse complement: TWIST1 is on the minus strand); duplicating any 24 consecutive bases within chr7:19,117,058-19,117,087 gives the same sequence; the c. name uses the placement nearest the transcript's 3' end. VCF-style (leftmost placement, unchanged base first): chr7-19117057-C-CGCCCGCGCCGCCGCCGCCGCCACA. GRCh37 (hg19) VCF-style: chr7-19156680-C-CGCCCGCGCCGCCGCCGCCGCCACA.
Identifiers: ClinVar variation 2051836 (VCV002051836.4), dbSNP rs753247631, ClinGen allele CA573294071.

ClinVar aggregate classification (germline): Uncertain significance (1 of 4 stars; one submission).

Conditions:
Saethre-Chotzen syndrome (SCS). Also called: CHOTZEN SYNDROME; ACROCEPHALY, SKULL ASYMMETRY, AND MILD SYNDACTYLY; ACS III. Identifiers: Orphanet 794, MedGen C0175699, MONDO:0007042, OMIM 101400.
TWIST1-related craniosynostosis (CRS1). Also called: CRANIOSYNOSTOSIS 1. Identifiers: Orphanet 63440, MedGen C4551902, MONDO:0007399, OMIM 123100. Inheritance: Heterogenous inheritance pattern.

Submission:

Labcorp Genetics (formerly Invitae), Labcorp
Classification: Uncertain significance for TWIST1-related craniosynostosis; Saethre-Chotzen syndrome. Last evaluated: 2022-04-18. Review status: criteria provided, single submitter. Criteria: Invitae Variant Classification Sherloc (09022015). Collection method: clinical testing. Allele origin: germline.
Comment: In summary, the available evidence is currently insufficient to determine the role of this variant in disease. Therefore, it has been classified as a Variant of Uncertain Significance. This variant has not been reported in the literature in individuals affected with TWIST1-related conditions. The frequency data for this variant in the population databases is considered unreliable, as metrics indicate poor data quality at this position in the gnomAD database. This variant, c.241_264dup, results in the insertion of 8 amino acid(s) of the TWIST1 protein (p.Cys81_Gly88dup), but otherwise preserves the integrity of the reading frame.